The following is an entry in ClinVar:

ClinVar aggregate classification (germline): Uncertain significance (1 of 4 stars; one submission).

Allele frequency attached by ClinVar (database versions not stated): ExAC 0.00001; gnomAD exomes 0.00001; TOPMed 0.00001; gnomAD 0.00004 and 0.00005.

Submission:

Labcorp Genetics (formerly Invitae), Labcorp
Classification: Uncertain significance. Last evaluated: 2023-08-04. Review status: criteria provided, single submitter. Criteria: Invitae Variant Classification Sherloc (09022015). Collection method: clinical testing. Allele origin: germline.
Comment: This sequence change replaces aspartic acid, which is acidic and polar, with asparagine, which is neutral and polar, at codon 144 of the ZNF335 protein (p.Asp144Asn). In summary, the available evidence is currently insufficient to determine the role of this variant in disease. Therefore, it has been classified as a Variant of Uncertain Significance. Advanced modeling of protein sequence and biophysical properties (such as structural, functional, and spatial information, amino acid conservation, physicochemical variation, residue mobility, and thermodynamic stability) performed at Invitae indicates that this missense variant is not expected to disrupt ZNF335 protein function. ClinVar contains an entry for this variant (Variation ID: 1396779). This variant has not been reported in the literature in individuals affected with ZNF335-related conditions. This variant is present in population databases (rs747623703, gnomAD 0.008%).

NM_022095.4(ZNF335):c.430G>A (p.Asp144Asn)

Gene: ZNF335 (zinc finger protein 335; minus strand). Cytogenetic location: 20q13.12.
Variant type: single nucleotide variant.
Coding change: c.430G>A on transcript NM_022095.4 (MANE Select); coding-DNA position 430, G replaced by A.
Protein change: p.Asp144Asn; replaces aspartic acid 144 with asparagine.
Molecular consequence: missense variant.
Genome position (GRCh38, 1-based): chr20:45,969,463, C>T on the plus strand (G>A on the coding strand, the complement: ZNF335 is on the minus strand). VCF-style: chr20-45969463-C-T. GRCh37 (hg19) VCF-style: chr20-44598102-C-T.
Other names: short protein forms D144N.
Identifiers: ClinVar variation 1396779 (VCV001396779.5), dbSNP rs747623703, ClinGen allele CA9886106.
Genomic context (GRCh38, chr20:45,969,463, plus strand): 5'-GCCGGACACTGCAGGAAAACCCCTGTGGGGCTCCTCTGCCTGACTCACTCTGGATGAGGT[C>T]GGGCCCGATGGTGGACTCGATGATCTTGTCGATGGCCGAGCCCAGGTCCGAGGAGGAAGC-3'
Protein context (NP_071378.1, residues 134-154): DKIIESTIGP[Asp144Asn]LIQNCITVTS